The following is an entry in ClinVar:

ClinVar aggregate classification (germline): Likely benign. Review status: criteria provided, multiple submitters, no conflicts (2 of 4 stars). 2 submissions from 2 submitters: Likely benign (2). Last evaluated 2024-09-02.

Allele frequency attached by ClinVar (database versions not stated): gnomAD 0.00018; ExAC 0.00027; 1000 Genomes Project 30x 0.00031; 1000 Genomes Project 0.00040.
gnomAD v4.1: 251 of 1,614,018 alleles (0.016%); highest among the groups gnomAD compares: Non-Finnish European, 0.012%; no homozygotes.

Submissions (2):

Blueprint Genetics
Classification: Likely benign. Last evaluated: 2024-09-02. Review status: criteria provided, single submitter. Criteria: ACMG Guidelines, 2015. Collection method: clinical testing. Allele origin: germline.

CeGaT Center for Human Genetics Tuebingen
Classification: Likely benign. Last evaluated: 2022-05-01. Review status: criteria provided, single submitter. Criteria: CeGaT Center For Human Genetics Tuebingen Variant Classification Criteria Version 2. Collection method: clinical testing. Allele origin: germline. Affected: yes. Observed: 1 variant allele.
Comment: SIPA1L3: BP4, BP7

NM_015073.3(SIPA1L3):c.2751T>C (p.Ile917=)

Gene: SIPA1L3 (signal induced proliferation associated 1 like 3; plus strand). Cytogenetic location: 19q13.13.
Variant type: single nucleotide variant.
Coding change: c.2751T>C on transcript NM_015073.3 (MANE Select); coding-DNA position 2751, T replaced by C.
Protein change: p.Ile917=; no amino-acid change (isoleucine 917 retained).
Molecular consequence: synonymous variant.
Genome position (GRCh38, 1-based): chr19:38,119,765, T>C. VCF-style: chr19-38119765-T-C. GRCh37 (hg19) VCF-style: chr19-38610405-T-C.
Identifiers: ClinVar variation 2649783 (VCV002649783.25), dbSNP rs200724357, ClinGen allele CA9409768.
Genomic context (GRCh38, chr19:38,119,765, plus strand): 5'-GGTGCTCCTGGACTTACGCACCAAGGAGGTGGTGTTCAACTGCTACTGCGGGGATGTCAT[T>C]GGCTGGACTCCAGACTCCTCCACACTCAAAATCTTCTATGGACGAGGAGACCACATCTTC-3'
Protein context (NP_055888.1, residues 907-927): VVFNCYCGDV[Ile917=]GWTPDSSTLK